The following is an entry in ClinVar:

ClinVar aggregate classification (germline): Pathogenic/Likely pathogenic. Review status: criteria provided, multiple submitters, no conflicts (2 of 4 stars). 5 submissions from 5 submitters: Pathogenic (2); Likely pathogenic (2). 1 of the submissions does not count toward it. Last evaluated 2026-01-19.

Conditions:
Medium-chain acyl-coenzyme A dehydrogenase deficiency (ACADMD). Also called: MCADH DEFICIENCY; MCADD; Medium chain acyl-CoA dehydrogenase deficiency; MCAD Deficiency; ACADM DEFICIENCY; CARNITINE DEFICIENCY SECONDARY TO MEDIUM-CHAIN ACYL-CoA DEHYDROGENASE DEFICIENCY. Identifiers: Orphanet 42, MedGen C0220710, MONDO:0008721, OMIM 201450.

Allele frequency attached by ClinVar (database versions not stated): gnomAD exomes below 0.00001; TOPMed below 0.00001; gnomAD 0.00001.
gnomAD v4.1: 5 of 1,613,358 alleles (0.00031%); highest among the groups gnomAD compares: Non-Finnish European, 0.00042%; no homozygotes.

Submissions (5):

Labcorp Genetics (formerly Invitae), Labcorp
Classification: Pathogenic for Medium-chain acyl-coenzyme A dehydrogenase deficiency. Last evaluated: 2026-01-19. Review status: criteria provided, single submitter. Criteria: Invitae Variant Classification Sherloc (09022015). Collection method: clinical testing. Allele origin: germline.
Comment: This sequence change affects an acceptor splice site in intron 8 of the ACADM gene. It is expected to disrupt RNA splicing. Variants that disrupt the donor or acceptor splice site typically lead to a loss of protein function (PMID: 16199547), and loss-of-function variants in ACADM are known to be pathogenic (PMID: 16121256, 20434380). This variant is not present in population databases (gnomAD no frequency). Disruption of this splice site has been observed in individual(s) with medium-chain acyl-coenzyme A dehydrogenase deficiency (internal data). In at least one individual the data is consistent with being in trans (on the opposite chromosome) from a pathogenic variant. ClinVar contains an entry for this variant (Variation ID: 370633). Algorithms developed to predict the effect of sequence changes on RNA splicing suggest that this variant may disrupt the consensus splice site. For these reasons, this variant has been classified as Pathogenic.

Natera, Inc.
Classification: Likely pathogenic for Medium Chain Acyl-CoA Dehydrogenase Deficiency. Last evaluated: 2025-12-01. Review status: criteria provided, single submitter. Criteria: Natera Variant Classification Schema (03/2026). Collection method: clinical testing. Allele origin: germline.
Comment: The c.709-1G>A variant in ACADM is a canonical splice acceptor site variant predicted to affect pre-mRNA splicing, which may result in an abnormal transcript and altered protein product. This variant is expected to result in nonsense mediated decay, truncation, or a dysfunctional protein product. This variant is rare in the general population with a frequency below the threshold expected for the associated phenotype(s). Given the available evidence, this variant is classified as Likely Pathogenic.

GeneDx
Classification: Likely pathogenic. Last evaluated: 2025-04-14. Review status: criteria provided, single submitter. Criteria: GeneDx Variant Classification Process June 2021. Collection method: clinical testing. Allele origin: germline. Affected: yes.
Comment: Canonical splice site variant predicted to result in an in-frame loss of the adjacent exon in a gene for which loss of function is a known mechanism of disease; Not observed at significant frequency in large population cohorts (gnomAD); This variant is associated with the following publications: (PMID: 36068006, 33841490)

Baylor Genetics
Classification: Pathogenic for Medium-chain acyl-coenzyme A dehydrogenase deficiency. Last evaluated: 2023-07-25. Review status: criteria provided, single submitter. Criteria: ACMG Guidelines, 2015. Collection method: clinical testing. Allele origin: unknown.

Counsyl
Classification: Likely pathogenic for Medium-chain acyl-coenzyme A dehydrogenase deficiency. Last evaluated: 2016-03-16. Review status: no assertion criteria provided. Collection method: clinical testing. Allele origin: unknown. Not counted in ClinVar's aggregate classification.

Literature cited by the submitters: PubMed 16199547 (cited by Labcorp Genetics (formerly Invitae), Labcorp); PubMed 16121256 (cited by Labcorp Genetics (formerly Invitae), Labcorp); PubMed 20434380 (cited by Labcorp Genetics (formerly Invitae), Labcorp).

NM_000016.6(ACADM):c.709-1G>A

Gene: ACADM (acyl-CoA dehydrogenase medium chain; plus strand). Cytogenetic location: 1p31.1.
Variant type: single nucleotide variant.
Coding change: c.709-1G>A on transcript NM_000016.6 (MANE Select); the canonical splice acceptor site of the intron before coding-DNA position 709, G replaced by A.
Molecular consequence: splice acceptor variant.
Genome position (GRCh38, 1-based): chr1:75,749,418, G>A. VCF-style: chr1-75749418-G-A. GRCh37 (hg19) VCF-style: chr1-76215103-G-A.
Other names: c.721-1G>A (NM_001127328.3); c.808-1G>A (NM_001286043.2); c.601-1G>A (NM_001286042.2); c.142-1G>A (NM_001286044.2); c.709-1G>A (NM_000016.5).
Identifiers: ClinVar variation 370633 (VCV000370633.12), dbSNP rs941714381, ClinGen allele CA16040780.
Genomic context (GRCh38, chr1:75,749,418, plus strand): 5'-AAAGCAAAAATTGATGCTGGCTCAAAAAAAATTCCTTAAAATATATCAATTTTCTTATTA[G>A]GAATTAAACATGGGCCAGCGATGTTCAGATACTAGAGGAATTGTCTTCGAAGATGTGAAA-3'